The following is an entry in ClinVar:

ClinVar aggregate classification (germline): Likely pathogenic (1 of 4 stars; one submission).

Conditions:
Developmental and epileptic encephalopathy, 32 (DEE32). Also called: Epileptic encephalopathy, early infantile, 32. Identifiers: Orphanet 442835, MedGen C4225350, MONDO:0014607, OMIM 616366.

Submission:

Institute of Human Genetics, University of Leipzig Medical Center
Classification: Likely pathogenic for Developmental and epileptic encephalopathy, 32. Last evaluated: 2025-03-04. Review status: criteria provided, single submitter. Criteria: ACMG Guidelines, 2015. Collection method: clinical testing. Allele origin: de novo. Inheritance: Autosomal dominant inheritance. Affected: yes.
Comment: Criteria applied: PS2_MOD,PM1,PM2,PP2,PP3

NM_004974.4(KCNA2):c.914T>C (p.Phe305Ser)

Gene: KCNA2 (potassium voltage-gated channel subfamily A member 2; minus strand). Cytogenetic location: 1p13.3.
Variant type: single nucleotide variant.
Coding change: c.914T>C on transcript NM_004974.4 (MANE Select); coding-DNA position 914, T replaced by C.
Protein change: p.Phe305Ser; replaces phenylalanine 305 with serine.
Molecular consequence: missense variant. On other transcripts: intron variant (1).
Genome position (GRCh38, 1-based): chr1:110,603,869, A>G on the plus strand (T>C on the coding strand, the complement: KCNA2 is on the minus strand). VCF-style: chr1-110603869-A-G. GRCh37 (hg19) VCF-style: chr1-111146491-A-G.
Other names: c.894+20T>C (NM_001204269.2); short protein forms F305S.
Identifiers: ClinVar variation 3773679 (VCV003773679.2).